The following is an entry in ClinVar:

ClinVar aggregate classification (germline): Uncertain significance (1 of 4 stars; one submission).

Conditions:
Epilepsy, progressive myoclonic, 1B. Also called: PME. Identifiers: Orphanet 308, MedGen C2676254, MONDO:0012904, OMIM 612437.

Allele frequency attached by ClinVar (database versions not stated): gnomAD 0.00001; ExAC 0.00002; gnomAD exomes 0.00002; TOPMed 0.00002.
gnomAD v4.1: 22 of 1,613,866 alleles (0.0014%); highest among the groups gnomAD compares: South Asian, 0.011%; no homozygotes.

Submission:

Labcorp Genetics (formerly Invitae), Labcorp
Classification: Uncertain significance for Epilepsy, progressive myoclonic, 1B. Last evaluated: 2024-12-16. Review status: criteria provided, single submitter. Criteria: Invitae Variant Classification Sherloc (09022015). Collection method: clinical testing. Allele origin: germline.
Comment: This sequence change replaces arginine, which is basic and polar, with tryptophan, which is neutral and slightly polar, at codon 719 of the PRICKLE1 protein (p.Arg719Trp). This variant is present in population databases (rs746199700, gnomAD 0.01%). This variant has not been reported in the literature in individuals affected with PRICKLE1-related conditions. ClinVar contains an entry for this variant (Variation ID: 206677). Invitae Evidence Modeling of protein sequence and biophysical properties (such as structural, functional, and spatial information, amino acid conservation, physicochemical variation, residue mobility, and thermodynamic stability) indicates that this missense variant is not expected to disrupt PRICKLE1 protein function with a negative predictive value of 80%. In summary, the available evidence is currently insufficient to determine the role of this variant in disease. Therefore, it has been classified as a Variant of Uncertain Significance.

NM_153026.3(PRICKLE1):c.2155C>T (p.Arg719Trp)

Gene: PRICKLE1 (prickle planar cell polarity protein 1; minus strand). Cytogenetic location: 12q12.
Variant type: single nucleotide variant.
Coding change: c.2155C>T on transcript NM_153026.3 (MANE Select); coding-DNA position 2155, C replaced by T.
Protein change: p.Arg719Trp; replaces arginine 719 with tryptophan.
Molecular consequence: missense variant.
Genome position (GRCh38, 1-based): chr12:42,460,150, G>A on the plus strand (C>T on the coding strand, the complement: PRICKLE1 is on the minus strand). VCF-style: chr12-42460150-G-A. GRCh37 (hg19) VCF-style: chr12-42853952-G-A.
Other names: c.2155C>T, p.Arg719Trp (NM_001144881.2, NM_001144882.2, NM_001144883.2); short protein forms R719W.
Identifiers: ClinVar variation 206677 (VCV000206677.5), dbSNP rs746199700, ClinGen allele CA317007.